The following is an entry in ClinVar:

ClinVar aggregate classification (germline): Uncertain significance (1 of 4 stars; one submission).

Conditions:
Primary ciliary dyskinesia. Also called: Ciliary dyskinesia. Identifiers: Orphanet 244, MedGen C0008780, MONDO:0016575, HP:0012265.

Allele frequency attached by ClinVar (database versions not stated): gnomAD exomes below 0.00001 and 0.00001; gnomAD 0.00001; TOPMed 0.00002.
gnomAD v4.1: 3 of 1,614,108 alleles (0.00019%); highest among the groups gnomAD compares: African/African-American, 0.004%; no homozygotes.

Submission:

Labcorp Genetics (formerly Invitae), Labcorp
Classification: Uncertain significance for Primary ciliary dyskinesia. Last evaluated: 2019-11-22. Review status: criteria provided, single submitter. Criteria: Invitae Variant Classification Sherloc (09022015). Collection method: clinical testing. Allele origin: germline.
Comment: In summary, the available evidence is currently insufficient to determine the role of this variant in disease. Therefore, it has been classified as a Variant of Uncertain Significance. Algorithms developed to predict the effect of missense changes on protein structure and function (SIFT, PolyPhen-2, Align-GVGD) all suggest that this variant is likely to be tolerated, but these predictions have not been confirmed by published functional studies and their clinical significance is uncertain. This variant has not been reported in the literature in individuals with DNAAF3-related conditions. This variant is not present in population databases (ExAC no frequency). This sequence change replaces asparagine with lysine at codon 112 of the DNAAF3 protein (p.Asn112Lys). The asparagine residue is weakly conserved and there is a moderate physicochemical difference between asparagine and lysine.

NM_001256715.2(DNAAF3):c.132C>A (p.Asn44Lys)

Genes: DNAAF3 (dynein axonemal assembly factor 3; minus strand), DNAAF3-AS1 (DNAAF3 antisense RNA 1; plus strand). Cytogenetic location: 19q13.42.
Variant type: single nucleotide variant.
Coding change: c.132C>A on transcript NM_001256715.2 (MANE Select); coding-DNA position 132, C replaced by A.
Protein change: p.Asn44Lys; replaces asparagine 44 with lysine.
Molecular consequence: missense variant. On other transcripts: 5 prime UTR variant (1).
Genome position (GRCh38, 1-based): chr19:55,165,954, G>T on the plus strand (C>A on the coding strand, the complement: DNAAF3 is on the minus strand). VCF-style: chr19-55165954-G-T. GRCh37 (hg19) VCF-style: chr19-55677322-G-T.
Other names: c.-107C>A (NM_001256716.2); c.273C>A, p.Asn91Lys (NM_178837.4); c.336C>A, p.Asn112Lys (NM_001256714.1); short protein forms N112K, N91K, N44K.
Identifiers: ClinVar variation 839952 (VCV000839952.10), dbSNP rs929924324, ClinGen allele CA310157019.